The following is an entry in ClinVar:

ClinVar aggregate classification (germline): Uncertain significance. Review status: criteria provided, multiple submitters, no conflicts (2 of 4 stars). 2 submissions from 2 submitters: Uncertain significance (2). Last evaluated 2024-10-24.

gnomAD v4.1: 14 of 1,614,048 alleles (0.00087%); highest among the groups gnomAD compares: Non-Finnish European, 0.0012%; no homozygotes.

Submissions (2):

Labcorp Genetics (formerly Invitae), Labcorp
Classification: Uncertain significance. Last evaluated: 2024-10-24. Review status: criteria provided, single submitter. Criteria: Invitae Variant Classification Sherloc (09022015). Collection method: clinical testing. Allele origin: germline.
Comment: This sequence change replaces aspartic acid, which is acidic and polar, with tyrosine, which is neutral and polar, at codon 1086 of the SCN3A protein (p.Asp1086Tyr). This variant is present in population databases (no rsID available, gnomAD 0.0009%). This missense change has been observed in individual(s) with SCN3A-related conditions (internal data). ClinVar contains an entry for this variant (Variation ID: 2178072). Invitae Evidence Modeling of protein sequence and biophysical properties (such as structural, functional, and spatial information, amino acid conservation, physicochemical variation, residue mobility, and thermodynamic stability) indicates that this missense variant is not expected to disrupt SCN3A protein function with a negative predictive value of 95%. In summary, the available evidence is currently insufficient to determine the role of this variant in disease. Therefore, it has been classified as a Variant of Uncertain Significance.

Blueprint Genetics
Classification: Uncertain significance. Last evaluated: 2022-05-06. Review status: criteria provided, single submitter. Criteria: ACMG Guidelines, 2015. Collection method: clinical testing. Allele origin: germline.

NM_006922.4(SCN3A):c.3256G>T (p.Asp1086Tyr)

Gene: SCN3A (sodium voltage-gated channel alpha subunit 3; minus strand). Cytogenetic location: 2q24.3.
Variant type: single nucleotide variant.
Coding change: c.3256G>T on transcript NM_006922.4 (MANE Select); coding-DNA position 3256, G replaced by T.
Protein change: p.Asp1086Tyr; replaces aspartic acid 1086 with tyrosine.
Molecular consequence: missense variant.
Genome position (GRCh38, 1-based): chr2:165,127,768, C>A on the plus strand (G>T on the coding strand, the complement: SCN3A is on the minus strand). VCF-style: chr2-165127768-C-A. GRCh37 (hg19) VCF-style: chr2-165984278-C-A.
Other names: c.3109G>T, p.Asp1037Tyr (NM_001081676.2, NM_001081677.2); short protein forms D1037Y, D1086Y.
Identifiers: ClinVar variation 2178072 (VCV002178072.5), dbSNP rs149911613, ClinGen allele CA349040709.